The following is an entry in ClinVar:

NM_007294.4(BRCA1):c.980_981del (p.Thr327fs)

Gene: BRCA1 (BRCA1 DNA repair associated; minus strand). Cytogenetic location: 17q21.31.
Variant type: Deletion.
Coding change: c.980_981del on transcript NM_007294.4 (MANE Select); coding-DNA positions 980 to 981, 2 bases deleted (CA; older notation c.980_981delCA).
Protein change: p.Thr327fs; shifts the reading frame from threonine 327.
Molecular consequence: frameshift variant. On other transcripts: intron variant (137).
Genome position (GRCh38, 1-based): chr17:43,094,550-43,094,551, TG deleted on the plus strand (CA on the coding strand, the reverse complement: BRCA1 is on the minus strand); deleting any 2 consecutive bases within chr17:43,094,550-43,094,552 gives the same sequence; the c. name uses the placement nearest the transcript's 3' end. VCF-style (leftmost placement, unchanged base first): chr17-43094549-ATG-A. GRCh37 (hg19) VCF-style: chr17-41246566-ATG-A.
Other names: 1099delCA; c.664+193_664+194del (NM_001408426.1, NM_001408436.1, NM_001408444.1 and 12 more transcripts); c.787+193_787+194del (NM_001407982.1, NM_001407970.1, NM_001407980.1 and 19 more transcripts); c.767_768del, p.Thr256fs (NM_001407571.1, NM_001407853.1, NM_001407894.1 and 9 more transcripts); c.980_981del, p.Thr327fs (NM_001407581.1, NM_001407582.1, NM_001407583.1 and 30 more transcripts); c.977_978del, p.Thr326fs (NM_001407587.1, NM_001407590.1, NM_001407591.1 and 22 more transcripts); c.971_972del, p.Thr324fs (NM_001407646.1, NM_001407647.1); c.857_858del, p.Thr286fs (NM_001407648.1, NM_001407664.1, NM_001407665.1 and 19 more transcripts); and 42 more; short protein forms T327fs, T280fs, T216fs, T239fs, T260fs, T285fs, T31fs, T159fs.
Identifiers: ClinVar variation 55770 (VCV000055770.4), dbSNP rs80357610, ClinGen allele CA003994.
Genomic context (GRCh38, chr17:43,094,549, plus strand): 5'-ACAGGGGATCAGCATTCAGATCTACCTTTTTTTCTGTGCTGGGAGTCCGCCTATCATTAC[ATG>A]TTTCCTTACTTCCAGCCCATCTGTTATGTTGGCTCCTTGCTAAGCCAGGCTGTTTGCTTT-3'

ClinVar aggregate classification (germline): Pathogenic. Review status: reviewed by expert panel (3 of 4 stars). 2 submissions from 2 submitters: Pathogenic (1). 1 of the submissions does not count toward it. Last evaluated 2016-09-08.

Conditions:
Breast-ovarian cancer, familial, susceptibility to, 1 (BROVCA1). Also called: BRCA1 Hereditary Breast and Ovarian Cancer; OVARIAN CANCER, SUSCEPTIBILITY TO. Identifiers: Orphanet 145, MedGen C2676676, MONDO:0011450, OMIM 604370. Disease mechanism: loss of function.

Submissions (2):

Evidence-based Network for the Interpretation of Germline Mutant Alleles (ENIGMA)
Classification: Pathogenic for Breast-ovarian cancer, familial, susceptibility to, 1. Last evaluated: 2016-09-08. Review status: reviewed by expert panel. Criteria: ENIGMA BRCA1/2 Classification Criteria (2015). Collection method: curation. Allele origin: germline.
Comment: Variant allele predicted to encode a truncated non-functional protein.

Breast Cancer Information Core (BIC) (BRCA1)
Classification: Pathogenic for Breast-ovarian cancer, familial 1. Review status: no assertion criteria provided. Collection method: clinical testing. Allele origin: germline. Affected: yes. Observed: 1 variant allele. Not counted in ClinVar's aggregate classification.